The following is an entry in ClinVar:

ClinVar aggregate classification (germline): Uncertain significance (1 of 4 stars; one submission).

Submission:

Labcorp Genetics (formerly Invitae), Labcorp
Classification: Uncertain significance. Last evaluated: 2024-04-09. Review status: criteria provided, single submitter. Criteria: Invitae Variant Classification Sherloc (09022015). Collection method: clinical testing. Allele origin: germline.
Comment: This sequence change replaces serine, which is neutral and polar, with lysine, which is basic and polar, at codon 188 of the MC4R protein (p.Ser188Lys). Information on the frequency of this variant in the gnomAD database is not available, as this variant may be reported differently in the database. This variant has not been reported in the literature in individuals affected with MC4R-related conditions. An algorithm developed to predict the effect of missense changes on protein structure and function (PolyPhen-2) suggests that this variant is likely to be disruptive. In summary, the available evidence is currently insufficient to determine the role of this variant in disease. Therefore, it has been classified as a Variant of Uncertain Significance.

NM_005912.3(MC4R):c.562_563delinsAA (p.Ser188Lys)

Gene: MC4R (melanocortin 4 receptor; minus strand). Cytogenetic location: 18q21.32.
Variant type: Indel.
Coding change: c.562_563delinsAA on transcript NM_005912.3 (MANE Select); coding-DNA positions 562 to 563, TC replaced by AA.
Protein change: p.Ser188Lys; replaces serine 188 with lysine.
Molecular consequence: missense variant.
Genome position (GRCh38, 1-based): chr18:60,371,787-60,371,788, GA replaced by TT on the plus strand (TC replaced by AA on the coding strand, the reverse complement: MC4R is on the minus strand). VCF-style: chr18-60371787-GA-TT. GRCh37 (hg19) VCF-style: chr18-58039020-GA-TT.
Other names: short protein forms S188K.
Identifiers: ClinVar variation 3649312 (VCV003649312.2).